The following is an entry in ClinVar:

ClinVar aggregate classification (germline): Likely benign (1 of 4 stars; one submission).

Submission:

GeneDx
Classification: Likely benign. Last evaluated: 2018-03-22. Review status: criteria provided, single submitter. Criteria: GeneDx Variant Classification (06012015). Collection method: clinical testing. Allele origin: germline. Affected: yes.
Comment: This variant is considered likely benign or benign based on one or more of the following criteria: it is a conservative change, it occurs at a poorly conserved position in the protein, it is predicted to be benign by multiple in silico algorithms, and/or has population frequency not consistent with disease.

NM_001164508.2(NEB):c.16347C>T (p.Ala5449=)

Gene: NEB (nebulin; minus strand). Cytogenetic location: 2q23.3.
Variant type: single nucleotide variant.
Coding change: c.16347C>T on transcript NM_001164508.2 (MANE Select); coding-DNA position 16347, C replaced by T.
Protein change: p.Ala5449=; no amino-acid change (alanine 5449 retained).
Molecular consequence: synonymous variant. On other transcripts: intron variant (1).
Genome position (GRCh38, 1-based): chr2:151,580,842, G>A on the plus strand (C>T on the coding strand, the complement: NEB is on the minus strand). VCF-style: chr2-151580842-G-A. GRCh37 (hg19) VCF-style: chr2-152437356-G-A.
Other names: c.16347C>T, p.Ala5449= (NM_001164507.2, NM_001271208.2); c.11602-4488C>T (NM_004543.5).
Identifiers: ClinVar variation 681076 (VCV000681076.1), dbSNP rs1578472035, ClinGen allele CA429225668.